The following is an entry in ClinVar:

ClinVar aggregate classification (germline): Uncertain significance. Review status: criteria provided, multiple submitters, no conflicts (2 of 4 stars). 2 submissions from 2 submitters: Uncertain significance (2). Last evaluated 2025-03-01.

Conditions:
Early-infantile DEE. Also called: Ohtahara syndrome; Early infantile epileptic encephalopathy with suppression bursts; Early infantile epileptic encephalopathy. Identifiers: Orphanet 1934, MedGen C0393706, MONDO:0800491.

Allele frequency attached by ClinVar (database versions not stated): gnomAD 0.00001; TOPMed 0.00001; gnomAD exomes below 0.00001; ExAC 0.00001.
gnomAD v4.1: 4 of 1,613,360 alleles (0.00025%); highest among the groups gnomAD compares: Middle Eastern, 0.018%; no homozygotes.

Submissions (2):

Labcorp Genetics (formerly Invitae), Labcorp
Classification: Uncertain significance for Early-infantile DEE. Last evaluated: 2025-03-01. Review status: criteria provided, single submitter. Criteria: Invitae Variant Classification Sherloc (09022015). Collection method: clinical testing. Allele origin: germline.
Comment: This sequence change falls in intron 1 of the SCN1A gene. It does not directly change the encoded amino acid sequence of the SCN1A protein. It affects a nucleotide within the consensus splice site. This variant is present in population databases (rs746440689, gnomAD 0.003%). This variant has not been reported in the literature in individuals affected with SCN1A-related conditions. ClinVar contains an entry for this variant (Variation ID: 2980841). Variants that disrupt the consensus splice site are a relatively common cause of aberrant splicing (PMID: 17576681, 9536098). Algorithms developed to predict the effect of sequence changes on RNA splicing suggest that this variant is not likely to affect RNA splicing. In summary, the available evidence is currently insufficient to determine the role of this variant in disease. Therefore, it has been classified as a Variant of Uncertain Significance.

Breakthrough Genomics
Classification: Uncertain significance. Review status: criteria provided, single submitter. Criteria: ACMG Guidelines, 2015. Collection method: not provided. Allele origin: germline. Inheritance: Autosomal dominant inheritance. Affected: yes.

Literature cited by the submitters: PubMed 17576681 (cited by Labcorp Genetics (formerly Invitae), Labcorp); PubMed 9536098 (cited by Labcorp Genetics (formerly Invitae), Labcorp).

NM_001165963.4(SCN1A):c.264+3G>A

Gene: SCN1A (sodium voltage-gated channel alpha subunit 1; minus strand). Cytogenetic location: 2q24.3.
Variant type: single nucleotide variant.
Coding change: c.264+3G>A on transcript NM_001165963.4 (MANE Select); 3 bases into the intron after coding-DNA position 264, G replaced by A.
Molecular consequence: intron variant.
Genome position (GRCh38, 1-based): chr2:166,073,355, C>T on the plus strand (G>A on the coding strand, the complement: SCN1A is on the minus strand). VCF-style: chr2-166073355-C-T. GRCh37 (hg19) VCF-style: chr2-166929865-C-T.
Other names: c.264+3G>A (NM_001353949.2, NM_001353958.2, NM_001353950.2 and 10 more transcripts); c.-2162+3G>A (NM_001353961.2).
Identifiers: ClinVar variation 2980841 (VCV002980841.4), dbSNP rs746440689, ClinGen allele CA1943555.